The following is an entry in ClinVar:

ClinVar aggregate classification (germline): Likely benign. Review status: criteria provided, multiple submitters, no conflicts (2 of 4 stars). 2 submissions from 2 submitters: Likely benign (2). Last evaluated 2018-01-13.

Conditions:
Gray platelet syndrome (GPS). Also called: BLEEDING DISORDER, PLATELET-TYPE, 4. Identifiers: Orphanet 721, MedGen C0272302, MONDO:0007686, OMIM 139090.

Allele frequency attached by ClinVar (database versions not stated): gnomAD exomes 0.00962; TOPMed 0.01494; gnomAD 0.01497 and 0.01517; 1000 Genomes Project 0.02017; 1000 Genomes Project 30x 0.02108; ExAC 0.04717.
gnomAD v4.1: 5,240 of 568,930 alleles (0.92%); highest among the groups gnomAD compares: African/African-American, 3.9%; 66 homozygotes.

Submissions (2):

Illumina Laboratory Services, Illumina
Classification: Likely benign for Gray platelet syndrome. Last evaluated: 2018-01-13. Review status: criteria provided, single submitter. Criteria: ICSL Variant Classification Criteria 13 December 2019. Collection method: clinical testing. Allele origin: germline.
Comment: This variant was observed in the ICSL laboratory as part of a predisposition screen in an ostensibly healthy population. It had not been previously curated by ICSL or reported in the Human Gene Mutation Database (HGMD: prior to June 1st, 2018), and was therefore a candidate for classification through an automated scoring system. Utilizing variant allele frequency, disease prevalence and penetrance estimates, and inheritance mode, an automated score was calculated to assess if this variant is too frequent to cause the disease. Based on the score and internal cut-off values, a variant classified as likely benign is not then subjected to further curation. The score for this variant resulted in a classification of likely benign for this disease.

Breakthrough Genomics
Classification: Likely benign. Review status: criteria provided, single submitter. Criteria: ACMG Guidelines, 2015. Collection method: not provided. Allele origin: germline. Inheritance: Autosomal recessive inheritance. Affected: yes.

NM_015175.3(NBEAL2):c.*219A>C

Gene: NBEAL2 (neurobeachin like 2; plus strand). Cytogenetic location: 3p21.31.
Variant type: single nucleotide variant.
Coding change: c.*219A>C on transcript NM_015175.3 (MANE Select); 219 bases downstream of the stop codon, A replaced by C.
Molecular consequence: 3 prime UTR variant.
Genome position (GRCh38, 1-based): chr3:47,009,539, A>C. VCF-style: chr3-47009539-A-C. GRCh37 (hg19) VCF-style: chr3-47051029-A-C.
Other names: c.*219A>C (NM_001365116.2).
Identifiers: ClinVar variation 345702 (VCV000345702.6), dbSNP rs1048808, ClinGen allele CA2362423.